The following is an entry in ClinVar:

NM_001363711.2(DUOX2):c.1977C>A (p.Ser659Arg)

Gene: DUOX2 (dual oxidase 2; minus strand). Cytogenetic location: 15q21.1.
Variant type: single nucleotide variant.
Coding change: c.1977C>A on transcript NM_001363711.2 (MANE Select); coding-DNA position 1977, C replaced by A.
Protein change: p.Ser659Arg; replaces serine 659 with arginine.
Molecular consequence: missense variant.
Genome position (GRCh38, 1-based): chr15:45,106,296, G>T on the plus strand (C>A on the coding strand, the complement: DUOX2 is on the minus strand). VCF-style: chr15-45106296-G-T. GRCh37 (hg19) VCF-style: chr15-45398494-G-T.
Other names: c.1977C>A, p.Ser659Arg (NM_014080.5); short protein forms S659R.
Identifiers: ClinVar variation 2768114 (VCV002768114.3), dbSNP rs943708613, ClinGen allele CA270129622.

ClinVar aggregate classification (germline): Uncertain significance (1 of 4 stars; one submission).

gnomAD v4.1: 35 of 1,613,978 alleles (0.0022%); highest among the groups gnomAD compares: Non-Finnish European, 0.0027%; no homozygotes.

Submission:

Labcorp Genetics (formerly Invitae), Labcorp
Classification: Uncertain significance. Last evaluated: 2023-10-29. Review status: criteria provided, single submitter. Criteria: Invitae Variant Classification Sherloc (09022015). Collection method: clinical testing. Allele origin: germline.
Comment: This sequence change replaces serine, which is neutral and polar, with arginine, which is basic and polar, at codon 659 of the DUOX2 protein (p.Ser659Arg). This variant is present in population databases (no rsID available, gnomAD 0.0009%). This variant has not been reported in the literature in individuals affected with DUOX2-related conditions. Advanced modeling of protein sequence and biophysical properties (such as structural, functional, and spatial information, amino acid conservation, physicochemical variation, residue mobility, and thermodynamic stability) performed at Invitae indicates that this missense variant is not expected to disrupt DUOX2 protein function with a negative predictive value of 80%. In summary, the available evidence is currently insufficient to determine the role of this variant in disease. Therefore, it has been classified as a Variant of Uncertain Significance.